The following is an entry in ClinVar:

NM_173551.5(ANKS6):c.2433C>T (p.Asp811=)

Gene: ANKS6 (ankyrin repeat and sterile alpha motif domain containing 6; minus strand). Cytogenetic location: 9q22.33.
Variant type: single nucleotide variant.
Coding change: c.2433C>T on transcript NM_173551.5 (MANE Select); coding-DNA position 2433, C replaced by T.
Protein change: p.Asp811=; no amino-acid change (aspartic acid 811 retained).
Molecular consequence: synonymous variant.
Genome position (GRCh38, 1-based): chr9:98,745,637, G>A on the plus strand (C>T on the coding strand, the complement: ANKS6 is on the minus strand). VCF-style: chr9-98745637-G-A. GRCh37 (hg19) VCF-style: chr9-101507919-G-A.
Identifiers: ClinVar variation 748988 (VCV000748988.4), dbSNP rs777203569, ClinGen allele CA5153139.
Genomic context (GRCh38, chr9:98,745,637, plus strand): 5'-AGAAATCGCTGCCAGAATCTGCTGCCTGGACCCATCTGTCTTAATTCCCAGCTCCTTCAA[G>A]TCACCGTCAGTCAGTGTGAGGAACGCTTCCATGTCCACCTGGGGAGAGAGAGGGGATTTG-3'
Protein context (NP_775822.3, residues 801-821): MEAFLTLTDG[Asp811=]LKELGIKTDG

ClinVar aggregate classification (germline): Likely benign. Review status: criteria provided, multiple submitters, no conflicts (2 of 4 stars). 2 submissions from 2 submitters: Likely benign (2). Last evaluated 2026-05-12.

Conditions:
ANKS6-related disorder. Also called: ANKS6-related condition.

Allele frequency attached by ClinVar (database versions not stated): gnomAD exomes below 0.00001; ExAC 0.00001.
gnomAD v4.1: 4 of 1,614,172 alleles (0.00025%); highest among the groups gnomAD compares: Middle Eastern, 0.016%; no homozygotes.

Submissions (2):

PreventionGenetics, part of Exact Sciences
Classification: Likely benign for ANKS6-related condition. Last evaluated: 2026-05-12. Review status: criteria provided, single submitter. Criteria: ACMG Guidelines, 2015. Collection method: clinical testing. Allele origin: germline.
Comment: This variant is classified as likely benign based on ACMG/AMP sequence variant interpretation guidelines (Richards et al. 2015 PMID: 25741868, with internal and published modifications).

Labcorp Genetics (formerly Invitae), Labcorp
Classification: Likely benign. Last evaluated: 2018-06-19. Review status: criteria provided, single submitter. Criteria: Invitae Variant Classification Sherloc (09022015). Collection method: clinical testing. Allele origin: germline.